The following is an entry in ClinVar:

ClinVar aggregate classification (germline): Uncertain significance. Review status: criteria provided, multiple submitters, no conflicts (2 of 4 stars). 2 submissions from 2 submitters: Uncertain significance (2). Last evaluated 2024-05-08.

Conditions:
Hereditary pulmonary alveolar proteinosis. Also called: Pulmonary surfactant metabolism dysfunction. Identifiers: Orphanet 264675, MedGen C3711368, MONDO:0012580.

Allele frequency attached by ClinVar (database versions not stated): gnomAD exomes below 0.00001; ExAC 0.00002; TOPMed 0.00005; gnomAD 0.00006.
gnomAD v4.1: 15 of 1,611,470 alleles (0.00093%); highest among the groups gnomAD compares: African/African-American, 0.02%; no homozygotes.

Submissions (2):

Labcorp Genetics (formerly Invitae), Labcorp
Classification: Uncertain significance. Last evaluated: 2024-05-08. Review status: criteria provided, single submitter. Criteria: Invitae Variant Classification Sherloc (09022015). Collection method: clinical testing. Allele origin: germline.
Comment: This sequence change replaces glycine, which is neutral and non-polar, with serine, which is neutral and polar, at codon 961 of the ABCA3 protein (p.Gly961Ser). This variant is present in population databases (rs766582057, gnomAD 0.01%). This variant has not been reported in the literature in individuals affected with ABCA3-related conditions. Advanced modeling of protein sequence and biophysical properties (such as structural, functional, and spatial information, amino acid conservation, physicochemical variation, residue mobility, and thermodynamic stability) performed at Invitae indicates that this missense variant is not expected to disrupt ABCA3 protein function with a negative predictive value of 80%. In summary, the available evidence is currently insufficient to determine the role of this variant in disease. Therefore, it has been classified as a Variant of Uncertain Significance.

Ambry Genetics
Classification: Uncertain significance for Hereditary pulmonary alveolar proteinosis. Last evaluated: 2024-01-09. Review status: criteria provided, single submitter. Criteria: Ambry Variant Classification Scheme 2023. Collection method: clinical testing. Allele origin: germline.

NM_001089.3(ABCA3):c.2881G>A (p.Gly961Ser)

Gene: ABCA3 (ATP binding cassette subfamily A member 3; minus strand). Cytogenetic location: 16p13.3.
Variant type: single nucleotide variant.
Coding change: c.2881G>A on transcript NM_001089.3 (MANE Select); coding-DNA position 2881, G replaced by A.
Protein change: p.Gly961Ser; replaces glycine 961 with serine.
Molecular consequence: missense variant.
Genome position (GRCh38, 1-based): chr16:2,288,149, C>T on the plus strand (G>A on the coding strand, the complement: ABCA3 is on the minus strand). VCF-style: chr16-2288149-C-T. GRCh37 (hg19) VCF-style: chr16-2338150-C-T.
Other names: short protein forms G961S.
Identifiers: ClinVar variation 3099532 (VCV003099532.3), dbSNP rs766582057, ClinGen allele CA7840680.
Genomic context (GRCh38, chr16:2,288,149, plus strand): 5'-GCTGACCCAGCTGGGAGGTCCCGGGAACTGAGAAGGGCACGACGGTTCTGCCGTACTCGC[C>T]CAAGGTCAGCCTCAGCATGGGGTCGTCGAAGAGCTCCGAGGAGTAGTTGATGGCCAGGAG-3'
Protein context (NP_001080.2, residues 951-971): FDDPMLRLTL[Gly961Ser]EYGRTVVPFS